The following is an entry in ClinVar:

NM_015331.3(NCSTN):c.1559G>A (p.Arg520His)

Gene: NCSTN (nicastrin; plus strand). Cytogenetic location: 1q23.2.
Variant type: single nucleotide variant.
Coding change: c.1559G>A on transcript NM_015331.3 (MANE Select); coding-DNA position 1559, G replaced by A.
Protein change: p.Arg520His; replaces arginine 520 with histidine.
Molecular consequence: missense variant.
Genome position (GRCh38, 1-based): chr1:160,356,267, G>A. VCF-style: chr1-160356267-G-A. GRCh37 (hg19) VCF-style: chr1-160326057-G-A.
Other names: c.1499G>A, p.Arg500His (NM_001290184.2); c.1145G>A, p.Arg382His (NM_001290186.2); c.1559G>A, p.Arg520His (NM_001349729.2); c.1559G>A (NM_015331.2); short protein forms R382H, R520H, R500H.
Identifiers: ClinVar variation 1982626 (VCV001982626.5), dbSNP rs1649124750, ClinGen allele CA343282395.
Genomic context (GRCh38, chr1:160,356,267, plus strand): 5'-CCTGGGCTCCCTTCAAGTCACAGGGTTTTCTCTCTTTACTGTTCCAATCCTAGGTTACCC[G>A]CCTGCTCTATGGGTTCCTGATTAAAGCCAACAACTCATGGTTCCAGTCTATCCTCAGGCA-3'
Protein context (NP_056146.1, residues 510-530): TVQADPQTVT[Arg520His]LLYGFLIKAN

ClinVar aggregate classification (germline): Uncertain significance. Review status: criteria provided, multiple submitters, no conflicts (2 of 4 stars). 2 submissions from 2 submitters: Uncertain significance (2). Last evaluated 2025-11-26.

Conditions:
Inborn genetic diseases. Identifiers: MedGen C0950123, MeSH D030342.

Allele frequency attached by ClinVar (database versions not stated): TOPMed below 0.00001; gnomAD 0.00001; gnomAD exomes 0.00001.

Submissions (2):

Ambry Genetics
Classification: Uncertain significance for Inborn genetic diseases. Last evaluated: 2025-11-26. Review status: criteria provided, single submitter. Criteria: Ambry Variant Classification Scheme 2023. Collection method: clinical testing. Allele origin: germline.

Labcorp Genetics (formerly Invitae), Labcorp
Classification: Uncertain significance. Last evaluated: 2025-10-23. Review status: criteria provided, single submitter. Criteria: Invitae Variant Classification Sherloc (09022015). Collection method: clinical testing. Allele origin: germline.
Comment: This sequence change replaces arginine, which is basic and polar, with histidine, which is basic and polar, at codon 520 of the NCSTN protein (p.Arg520His). This variant is not present in population databases (gnomAD no frequency). This variant has not been reported in the literature in individuals affected with NCSTN-related conditions. ClinVar contains an entry for this variant (Variation ID: 1982626). Invitae Evidence Modeling of protein sequence and biophysical properties (such as structural, functional, and spatial information, amino acid conservation, physicochemical variation, residue mobility, and thermodynamic stability) indicates that this missense variant is not expected to disrupt NCSTN protein function with a negative predictive value of 80%. In summary, the available evidence is currently insufficient to determine the role of this variant in disease. Therefore, it has been classified as a Variant of Uncertain Significance.